The following is an entry in ClinVar:

NM_000110.4(DPYD):c.2335A>G (p.Thr779Ala)

Genes: DPYD (dihydropyrimidine dehydrogenase; minus strand), DPYD-AS1 (DPYD antisense RNA 1; plus strand). Cytogenetic location: 1p21.3.
Variant type: single nucleotide variant.
Coding change: c.2335A>G on transcript NM_000110.4 (MANE Select); coding-DNA position 2335, A replaced by G.
Protein change: p.Thr779Ala; replaces threonine 779 with alanine.
Molecular consequence: missense variant.
Genome position (GRCh38, 1-based): chr1:97,234,959, T>C on the plus strand (A>G on the coding strand, the complement: DPYD is on the minus strand). VCF-style: chr1-97234959-T-C. GRCh37 (hg19) VCF-style: chr1-97700515-T-C.
Other names: short protein forms T779A.
Identifiers: ClinVar variation 2587443 (VCV002587443.2), dbSNP rs1365638731, ClinGen allele CA341374597.

ClinVar aggregate classification (germline): Uncertain significance (1 of 4 stars; one submission).

Conditions:
Inborn genetic diseases. Identifiers: MedGen C0950123, MeSH D030342.

Allele frequency attached by ClinVar (database versions not stated): TOPMed below 0.00001; gnomAD exomes 0.00001.

Submission:

Ambry Genetics
Classification: Uncertain significance for Inborn genetic diseases. Last evaluated: 2023-09-06. Review status: criteria provided, single submitter. Criteria: Ambry Variant Classification Scheme 2023. Collection method: clinical testing. Allele origin: germline.
Comment: The p.T779A variant (also known as c.2335A>G), located in coding exon 19 of the DPYD gene, results from an A to G substitution at nucleotide position 2335. The threonine at codon 779 is replaced by alanine, an amino acid with similar properties. This amino acid position is conserved. In addition, this alteration is predicted to be tolerated by in silico analysis. Since supporting evidence is limited at this time, the clinical significance of this alteration remains unclear.